The following is an entry in ClinVar:

ClinVar aggregate classification (germline): Uncertain significance (1 of 4 stars; one submission).

Submission:

Greenwood Genetic Center Diagnostic Laboratories, Greenwood Genetic Center
Classification: Uncertain significance. Last evaluated: 2024-07-15. Review status: criteria provided, single submitter. Criteria: ACMG Guidelines, 2015. Collection method: clinical testing. Allele origin: germline. Affected: yes.
Comment: PM2

NM_000944.5(PPP3CA):c.280C>T (p.Gln94Ter)

Gene: PPP3CA (protein phosphatase 3 catalytic subunit alpha; minus strand). Cytogenetic location: 4q24.
Variant type: single nucleotide variant.
Coding change: c.280C>T on transcript NM_000944.5 (MANE Select); coding-DNA position 280, C replaced by T.
Protein change: p.Gln94Ter; replaces glutamine 94 with a stop codon.
Molecular consequence: nonsense.
Genome position (GRCh38, 1-based): chr4:101,109,058, G>A on the plus strand (C>T on the coding strand, the complement: PPP3CA is on the minus strand). VCF-style: chr4-101109058-G-A. GRCh37 (hg19) VCF-style: chr4-102030215-G-A.
Other names: c.280C>T, p.Gln94Ter (NM_001130691.2, NM_001130692.2); short protein forms Q94*.
Identifiers: ClinVar variation 3765827 (VCV003765827.1).